The following is an entry in ClinVar:

ClinVar aggregate classification (germline): Uncertain significance (1 of 4 stars; one submission).

Conditions:
Hereditary cancer-predisposing syndrome. Also called: Neoplastic Syndromes, Hereditary; Tumor predisposition; Hereditary Cancer Syndrome; Hereditary neoplastic syndrome. Identifiers: Orphanet 140162, MedGen C0027672, MeSH D009386, MONDO:0015356.

Submission:

Ambry Genetics
Classification: Uncertain significance for Hereditary cancer-predisposing syndrome. Last evaluated: 2025-12-28. Review status: criteria provided, single submitter. Criteria: Ambry Variant Classification Scheme 2023. Collection method: clinical testing. Allele origin: germline.
Comment: The p.G484C variant (also known as c.1450G>T), located in coding exon 5 of the AXIN2 gene, results from a G to T substitution at nucleotide position 1450. The glycine at codon 484 is replaced by cysteine, an amino acid with highly dissimilar properties. This amino acid position is conserved. In addition, the in silico prediction for this alteration is inconclusive. Based on the available evidence, the clinical significance of this variant remains unclear.

NM_004655.4(AXIN2):c.1450G>T (p.Gly484Cys)

Gene: AXIN2 (axin 2; minus strand). Cytogenetic location: 17q24.1.
Variant type: single nucleotide variant.
Coding change: c.1450G>T on transcript NM_004655.4 (MANE Select); coding-DNA position 1450, G replaced by T.
Protein change: p.Gly484Cys; replaces glycine 484 with cysteine.
Molecular consequence: missense variant.
Genome position (GRCh38, 1-based): chr17:65,537,586, C>A on the plus strand (G>T on the coding strand, the complement: AXIN2 is on the minus strand). VCF-style: chr17-65537586-C-A. GRCh37 (hg19) VCF-style: chr17-63533704-C-A.
Other names: c.1450G>T, p.Gly484Cys (NM_001363813.1); short protein forms G484C.
Identifiers: ClinVar variation 4843056 (VCV004843056.1).